The following is an entry in ClinVar:

ClinVar aggregate classification (germline): Uncertain significance. Review status: criteria provided, multiple submitters, no conflicts (2 of 4 stars). 2 submissions from 2 submitters: Uncertain significance (2). Last evaluated 2025-02-03.

Conditions:
Dyskeratosis congenita, autosomal dominant 2. Identifiers: MedGen C3151443, MONDO:0013521, OMIM 613989.
Idiopathic Pulmonary Fibrosis. Also called: Idiopathic fibrosing alveolitis, chronic form; idiopathic fibrosing alveolitis. Identifiers: Orphanet 2032, MedGen C1800706, MeSH D054990, MONDO:0800504.

Submissions (2):

Dasa
Classification: Uncertain significance. Last evaluated: 2025-02-03. Review status: criteria provided, single submitter. Criteria: DASA Assertion Criteria. Collection method: clinical testing. Allele origin: germline.
Comment: NM_198253.3(TERT):c.2918A>G (p.Lys973Arg) is a missense variant that results in the substitution of lysine with arginine. This variant is absent from population databases. The currently available literature and clinical evidence are not sufficient to establish a definitive association between this variant and the reported condition. Therefore, this variant is classified as a variant of uncertain significance.

Labcorp Genetics (formerly Invitae), Labcorp
Classification: Uncertain significance for Dyskeratosis congenita, autosomal dominant 2; Idiopathic Pulmonary Fibrosis. Last evaluated: 2022-12-09. Review status: criteria provided, single submitter. Criteria: Invitae Variant Classification Sherloc (09022015). Collection method: clinical testing. Allele origin: germline.
Comment: In summary, the available evidence is currently insufficient to determine the role of this variant in disease. Therefore, it has been classified as a Variant of Uncertain Significance. Advanced modeling of protein sequence and biophysical properties (such as structural, functional, and spatial information, amino acid conservation, physicochemical variation, residue mobility, and thermodynamic stability) performed at Invitae indicates that this missense variant is expected to disrupt TERT protein function. This variant has not been reported in the literature in individuals affected with TERT-related conditions. This variant is not present in population databases (gnomAD no frequency). This sequence change replaces lysine, which is basic and polar, with arginine, which is basic and polar, at codon 973 of the TERT protein (p.Lys973Arg).

NM_198253.3(TERT):c.2918A>G (p.Lys973Arg)

Gene: TERT (telomerase reverse transcriptase; minus strand). Cytogenetic location: 5p15.33.
Variant type: single nucleotide variant.
Coding change: c.2918A>G on transcript NM_198253.3 (MANE Select); coding-DNA position 2918, A replaced by G.
Protein change: p.Lys973Arg; replaces lysine 973 with arginine.
Molecular consequence: missense variant. On other transcripts: non-coding transcript variant (2).
Genome position (GRCh38, 1-based): chr5:1,260,526, T>C on the plus strand (A>G on the coding strand, the complement: TERT is on the minus strand). VCF-style: chr5-1260526-T-C. GRCh37 (hg19) VCF-style: chr5-1260641-T-C.
Other names: c.2729A>G, p.Lys910Arg (NM_001193376.3); c.2918A>G, p.Lys973Arg (NM_003219.1); short protein forms K973R, K910R.
Identifiers: ClinVar variation 2941456 (VCV002941456.5), dbSNP rs2478129698, ClinGen allele CA359069938.